The following is an entry in ClinVar:

ClinVar aggregate classification (germline): Benign/Likely benign. Review status: criteria provided, multiple submitters, no conflicts (2 of 4 stars). 3 submissions from 3 submitters: Benign (1); Likely benign (2). Last evaluated 2026-01-05.

Conditions:
MEGF8-related Carpenter syndrome. Also called: Carpenter syndrome 2. Identifiers: Orphanet 65759, MedGen C3554247, MONDO:0013998, OMIM 614976.

Allele frequency attached by ClinVar (database versions not stated): gnomAD 0.00012; TOPMed 0.00012; gnomAD exomes 0.00015; 1000 Genomes Project 30x 0.00016; 1000 Genomes Project 0.00020; ExAC 0.00030.

Submissions (3):

Labcorp Genetics (formerly Invitae), Labcorp
Classification: Likely benign for MEGF8-related Carpenter syndrome. Last evaluated: 2026-01-05. Review status: criteria provided, single submitter. Criteria: Invitae Variant Classification Sherloc (09022015). Collection method: clinical testing. Allele origin: germline.

CeGaT Center for Human Genetics Tuebingen
Classification: Likely benign. Last evaluated: 2024-12-01. Review status: criteria provided, single submitter. Criteria: CeGaT Center For Human Genetics Tuebingen Variant Classification Criteria Version 2. Collection method: clinical testing. Allele origin: germline. Affected: yes. Observed: 1 variant allele.
Comment: MEGF8: BP4, BP7

Blueprint Genetics
Classification: Benign. Last evaluated: 2024-11-01. Review status: criteria provided, single submitter. Criteria: ACMG Guidelines, 2015. Collection method: clinical testing. Allele origin: germline.

NM_001271938.2(MEGF8):c.7047C>T (p.Ala2349=)

Gene: MEGF8 (multiple EGF like domains 8; plus strand). Cytogenetic location: 19q13.2.
Variant type: single nucleotide variant.
Coding change: c.7047C>T on transcript NM_001271938.2 (MANE Select); coding-DNA position 7047, C replaced by T.
Protein change: p.Ala2349=; no amino-acid change (alanine 2349 retained).
Molecular consequence: synonymous variant.
Genome position (GRCh38, 1-based): chr19:42,370,742, C>T. VCF-style: chr19-42370742-C-T. GRCh37 (hg19) VCF-style: chr19-42874894-C-T.
Other names: c.6846C>T, p.Ala2282= (NM_001410.3).
Identifiers: ClinVar variation 779811 (VCV000779811.21), dbSNP rs369359832, ClinGen allele CA9476042.
Genomic context (GRCh38, chr19:42,370,742, plus strand): 5'-ACTGTCCTTCCTTGGCCAGATTGAAAACTGGGTGACAGAGGGTCCTAGTGAAGACGAGGC[C>T]GTGTGCGTGAACTGCCAGAATAACAGCTATGGGGAGAAATGCGAGAGCTGCCTGCAGGGC-3'
Protein context (NP_001258867.1, residues 2339-2359): WVTEGPSEDE[Ala2349=]VCVNCQNNSY